The following is an entry in ClinVar:

NC_000009.11:g.(?_130577951)_(130700109_?)del

Genes: ST6GALNAC4 (ST6 N-acetylgalactosaminide alpha-2,6-sialyltransferase 4; minus strand), ST6GALNAC6 (ST6 N-acetylgalactosaminide alpha-2,6-sialyltransferase 6; minus strand), AK1 (adenylate kinase 1; minus strand), DPM2 (dolichyl-phosphate mannosyltransferase subunit 2, regulatory; minus strand), ENG (endoglin; minus strand) and 1 more. Cytogenetic location: 9q34.11.
Variant type: Deletion.
Identifiers: ClinVar variation 1070851 (VCV001070851.8).

ClinVar aggregate classification (germline): Pathogenic (1 of 4 stars; one submission).

Conditions:
Hereditary hemorrhagic telangiectasia (HHT). Also called: Osler hemorrhagic telangiectasia syndrome; ORW DISEASE; Osler Weber Rendu syndrome; OSLER-RENDU-WEBER DISEASE. Identifiers: Orphanet 774, MedGen C0039445, MONDO:0019180. Disease mechanism: loss of function.

Submission:

Labcorp Genetics (formerly Invitae), Labcorp
Classification: Pathogenic for Hereditary hemorrhagic telangiectasia. Last evaluated: 2021-08-20. Review status: criteria provided, single submitter. Criteria: Invitae Variant Classification Sherloc (09022015). Collection method: clinical testing. Allele origin: germline.
Comment: A gross deletion of the genomic region encompassing the full coding sequence of the ENG gene has been identified. Loss-of-function variants in ENG are known to be pathogenic (PMID: 15879500). The boundaries of this event are unknown as they extend beyond the assayed region for this gene and therefore may encompass additional genes. A similar copy number variant has been observed in individual(s) with hereditary hemorrhagic telangiectasia (PMID: 20414677). For these reasons, this variant has been classified as Pathogenic.

Literature cited by the submitters: PubMed 15879500; PubMed 20414677.